The following is an entry in ClinVar:

ClinVar aggregate classification (germline): Uncertain significance (3 of 4 stars; one submission).

Conditions:
Creatine transporter deficiency (CCDS1). Also called: Mental retardation , X-linked with seizures, short stature and midface hypoplasia; Mental retardation , X-linked, with creatine transport deficiency; X-linked creatine transporter deficiency; X-linked creatine deficiency syndrome; SLC6A8-Related Creatine Transporter Deficiency; CREATINE TRANSPORTER DEFECT. Identifiers: Orphanet 52503, MedGen C1845862, MONDO:0010305, OMIM 300352.

Submission:

ClinGen Cerebral Creatine Deficiency Syndromes Variant Curation Expert Panel, ClinGen
Classification: Uncertain significance for Creatine transporter deficiency. Last evaluated: 2024-03-28. Review status: reviewed by expert panel. Criteria: ClinGen_CCDS_ACMG_Specifications_SLC6A8_v1.1. Collection method: curation. Allele origin: germline. Inheritance: X-linked inheritance.
Comment: The NM_005629.4:c.1261G>C variant in SLC6A8 is a missense variant that is predicted to lead to the substitution of a glycine for an arginine at amino acid position 421 (p.Gly421Arg). This variant has not been reported in the published literature in individuals with creatine transporter deficiency. This variant was reported to result in reduced (<10% of wild-type) creatine transport activity in SLC6A8 deficient fibroblasts (PMID: 22281021) (PS3_Supporting). The variant is absent in gnomAD v2.1.1. (PM2_Supporting). The computational predictor REVEL gives a score of 0.539 which is neither above the threshold of 0.75 for PP3 nor below the threshold of 0.2 (BP4), such that neither PP3 nor BP4 applies. In summary, this variant meets criteria to be classified as a variant of uncertain significance for creatine transporter deficiency. SLC6A8-specific criteria applied, as specified by the ClinGen CCDS VCEP (Specifications Version 1.1.0): PS3_Supporting, PM2_Supporting. (Classification approved by the ClinGen Cerebral Creatine Deficiency Syndromes Variant Curation Expert Panel on March 28, 2024)

NM_005629.4(SLC6A8):c.1261G>C (p.Gly421Arg)

Gene: SLC6A8 (solute carrier family 6 member 8; plus strand). Cytogenetic location: Xq28.
Variant type: single nucleotide variant.
Coding change: c.1261G>C on transcript NM_005629.4 (MANE Select); coding-DNA position 1261, G replaced by C.
Protein change: p.Gly421Arg; replaces glycine 421 with arginine.
Molecular consequence: missense variant.
Genome position (GRCh38, 1-based): chrX:153,694,136, G>C. VCF-style: chrX-153694136-G-C. GRCh37 (hg19) VCF-style: chrX-152959591-G-C.
Other names: NM_001142805.2:c.1231G>C; c.1231G>C, p.Gly411Arg (NM_001142805.2); c.916G>C, p.Gly306Arg (NM_001142806.1); short protein forms G306R, G411R, G421R.
Identifiers: ClinVar variation 3066436 (VCV003066436.1), dbSNP rs2522166164, ClinGen allele CA415086677.